The following is an entry in ClinVar:

NM_032861.4(SERAC1):c.91+9A>G

Gene: SERAC1 (serine active site containing 1; minus strand). Cytogenetic location: 6q25.3.
Variant type: single nucleotide variant.
Coding change: c.91+9A>G on transcript NM_032861.4 (MANE Select); 9 bases into the intron after coding-DNA position 91, A replaced by G.
Molecular consequence: intron variant.
Genome position (GRCh38, 1-based): chr6:158,158,264, T>C on the plus strand (A>G on the coding strand, the complement: SERAC1 is on the minus strand). VCF-style: chr6-158158264-T-C. GRCh37 (hg19) VCF-style: chr6-158579296-T-C.
Other names: c.91+9A>G (NM_032861.3).
Identifiers: ClinVar variation 2756426 (VCV002756426.4), dbSNP rs373350749, ClinGen allele CA4071477.

ClinVar aggregate classification (germline): Likely benign. Review status: criteria provided, multiple submitters, no conflicts (2 of 4 stars). 2 submissions from 2 submitters: Likely benign (2). Last evaluated 2026-05-29.

Conditions:
SERAC1-related disorder. Also called: SERAC1-related disorders; SERAC1-related condition.
3-methylglutaconic aciduria with deafness, encephalopathy, and Leigh-like syndrome (MEGDEL). Also called: MEGDEL syndrome; SERAC1 Deficiency; 3-METHYLGLUTACONIC ACIDURIA, TYPE VI. Identifiers: Orphanet 352328, MedGen C4040739, MONDO:0013875, OMIM 614739.

Allele frequency attached by ClinVar (database versions not stated): ExAC 0.00002; TOPMed 0.00004; gnomAD 0.00005; ESP Exome Variant Server 0.00008; gnomAD exomes 0.00011.
gnomAD v4.1: 156 of 1,582,566 alleles (0.0099%); highest among the groups gnomAD compares: Non-Finnish European, 0.013%; no homozygotes.

Submissions (2):

PreventionGenetics, part of Exact Sciences
Classification: Likely benign for SERAC1-related condition. Last evaluated: 2026-05-29. Review status: criteria provided, single submitter. Criteria: ACMG Guidelines, 2015. Collection method: clinical testing. Allele origin: germline.
Comment: This variant is classified as likely benign based on ACMG/AMP sequence variant interpretation guidelines (Richards et al. 2015 PMID: 25741868, with internal and published modifications).

Labcorp Genetics (formerly Invitae), Labcorp
Classification: Likely benign for 3-methylglutaconic aciduria with deafness, encephalopathy, and Leigh-like syndrome. Last evaluated: 2024-07-05. Review status: criteria provided, single submitter. Criteria: Invitae Variant Classification Sherloc (09022015). Collection method: clinical testing. Allele origin: germline.